The following is an entry in ClinVar:

NM_004483.5(GCSH):c.31G>A (p.Ala11Thr)

Genes: GCSH (glycine cleavage system protein H; minus strand), LOC130059495 (ATAC-STARR-seq lymphoblastoid silent region 7751; plus strand). Cytogenetic location: 16q23.2.
Variant type: single nucleotide variant.
Coding change: c.31G>A on transcript NM_004483.5 (MANE Select); coding-DNA position 31, G replaced by A.
Protein change: p.Ala11Thr; replaces alanine 11 with threonine.
Molecular consequence: missense variant. On other transcripts: non-coding transcript variant (1).
Genome position (GRCh38, 1-based): chr16:81,096,248, C>T on the plus strand (G>A on the coding strand, the complement: GCSH is on the minus strand). VCF-style: chr16-81096248-C-T. GRCh37 (hg19) VCF-style: chr16-81129853-C-T.
Other names: short protein forms A11T.
Identifiers: ClinVar variation 851596 (VCV000851596.11), dbSNP rs766468139, ClinGen allele CA8186832.

ClinVar aggregate classification (germline): Uncertain significance. Review status: criteria provided, multiple submitters, no conflicts (2 of 4 stars). 2 submissions from 2 submitters: Uncertain significance (2). Last evaluated 2025-02-22.

Conditions:
Inborn genetic diseases. Identifiers: MedGen C0950123, MeSH D030342.
Glycine encephalopathy. Also called: Nonketotic hyperglycinemia; Non-ketotic hyperglycinemia. Identifiers: Orphanet 407, MedGen C0751748, MONDO:0011612, HP:0008288.

Allele frequency attached by ClinVar (database versions not stated): ExAC below 0.00001.

Submissions (2):

Ambry Genetics
Classification: Uncertain significance for Inborn genetic diseases. Last evaluated: 2025-02-22. Review status: criteria provided, single submitter. Criteria: Ambry Variant Classification Scheme 2023. Collection method: clinical testing. Allele origin: germline.

Labcorp Genetics (formerly Invitae), Labcorp
Classification: Uncertain significance for Glycine encephalopathy. Last evaluated: 2023-09-28. Review status: criteria provided, single submitter. Criteria: Invitae Variant Classification Sherloc (09022015). Collection method: clinical testing. Allele origin: germline.
Comment: This variant has not been reported in the literature in individuals affected with GCSH-related conditions. ClinVar contains an entry for this variant (Variation ID: 851596). This sequence change replaces alanine, which is neutral and non-polar, with threonine, which is neutral and polar, at codon 11 of the GCSH protein (p.Ala11Thr). This variant is present in population databases (rs766468139, gnomAD 0.04%). An algorithm developed to predict the effect of missense changes on protein structure and function (PolyPhen-2) suggests that this variant is likely to be tolerated. In summary, the available evidence is currently insufficient to determine the role of this variant in disease. Therefore, it has been classified as a Variant of Uncertain Significance.